The following is an entry in ClinVar:

ClinVar aggregate classification (germline): Uncertain significance (1 of 4 stars; one submission).

Conditions:
Hyperimmunoglobulin D with periodic fever (HIDS). Also called: Hyperimmunoglobulinemia D; Hyperimmunoglobulinemia D with periodic fever; HYPERIMMUNOGLOBULINEMIA D AND PERIODIC FEVER SYNDROME. Identifiers: Orphanet 343, MedGen C0398691, MONDO:0009849, OMIM 260920.
Porokeratosis 3, disseminated superficial actinic type (POROK3). Also called: POROKERATOSIS, DISSEMINATED SUPERFICIAL ACTINIC, 1; POROKERATOSIS 3, MULTIPLE TYPES; POROKERATOSIS 3, MIBELLI TYPE. Identifiers: MedGen C1867981, MONDO:0008293, OMIM 175900.
Mevalonic aciduria (MEVA). Identifiers: Orphanet 29, MedGen C1959626, MONDO:0012481, OMIM 610377.

Submission:

Labcorp Genetics (formerly Invitae), Labcorp
Classification: Uncertain significance for Mevalonic aciduria; Hyperimmunoglobulin D with periodic fever; Porokeratosis 3, disseminated superficial actinic type. Last evaluated: 2024-12-24. Review status: criteria provided, single submitter. Criteria: Invitae Variant Classification Sherloc (09022015). Collection method: clinical testing. Allele origin: germline.
Comment: This sequence change replaces alanine, which is neutral and non-polar, with valine, which is neutral and non-polar, at codon 313 of the MVK protein (p.Ala313Val). This variant is not present in population databases (gnomAD no frequency). This variant has not been reported in the literature in individuals affected with MVK-related conditions. ClinVar contains an entry for this variant (Variation ID: 2014384). Invitae Evidence Modeling of protein sequence and biophysical properties (such as structural, functional, and spatial information, amino acid conservation, physicochemical variation, residue mobility, and thermodynamic stability) has been performed for this missense variant. However, the output from this modeling did not meet the statistical confidence thresholds required to predict the impact of this variant on MVK protein function. In summary, the available evidence is currently insufficient to determine the role of this variant in disease. Therefore, it has been classified as a Variant of Uncertain Significance.

NM_000431.4(MVK):c.938C>T (p.Ala313Val)

Gene: MVK (mevalonate kinase; plus strand). Cytogenetic location: 12q24.11.
Variant type: single nucleotide variant.
Coding change: c.938C>T on transcript NM_000431.4 (MANE Select); coding-DNA position 938, C replaced by T.
Protein change: p.Ala313Val; replaces alanine 313 with valine.
Molecular consequence: missense variant.
Genome position (GRCh38, 1-based): chr12:109,595,080, C>T. VCF-style: chr12-109595080-C-T. GRCh37 (hg19) VCF-style: chr12-110032885-C-T.
Other names: c.938C>T, p.Ala313Val (NM_001114185.3, NM_001414511.1, NM_001414513.1); c.782C>T, p.Ala261Val (NM_001301182.2, NM_001414514.1); c.1013C>T, p.Ala338Val (NM_001414512.1); c.356C>T, p.Ala119Val (NM_001414515.1); short protein forms A119V, A261V, A338V, A313V.
Identifiers: ClinVar variation 2014384 (VCV002014384.4), dbSNP rs2548641202, ClinGen allele CA386650550.